The following is an entry in ClinVar:

NM_033109.5(PNPT1):c.223-13C>G

Gene: PNPT1 (polyribonucleotide nucleotidyltransferase 1; minus strand). Cytogenetic location: 2p16.1.
Variant type: single nucleotide variant.
Coding change: c.223-13C>G on transcript NM_033109.5 (MANE Select); 13 bases into the intron before coding-DNA position 223, C replaced by G.
Molecular consequence: intron variant.
Genome position (GRCh38, 1-based): chr2:55,686,457, G>C on the plus strand (C>G on the coding strand, the complement: PNPT1 is on the minus strand). VCF-style: chr2-55686457-G-C. GRCh37 (hg19) VCF-style: chr2-55913592-G-C.
Identifiers: ClinVar variation 382365 (VCV000382365.6), dbSNP rs200156764, ClinGen allele CA1668575.

ClinVar aggregate classification (germline): Likely benign. Review status: criteria provided, multiple submitters, no conflicts (2 of 4 stars). 2 submissions from 2 submitters: Likely benign (2). Last evaluated 2025-02-03.

Allele frequency attached by ClinVar (database versions not stated): TOPMed 0.00002.
gnomAD v4.1: 31 of 1,606,522 alleles (0.0019%); highest among the groups gnomAD compares: Middle Eastern, 0.033%; no homozygotes.

Submissions (3):

Labcorp Genetics (formerly Invitae), Labcorp
Classification: Likely benign. Last evaluated: 2025-02-03. Review status: criteria provided, single submitter. Criteria: Invitae Variant Classification Sherloc (09022015). Collection method: clinical testing. Allele origin: germline.

GeneDx
Classification: Likely benign. Last evaluated: 2016-11-15. Review status: criteria provided, single submitter. Criteria: GeneDx Variant Classification (06012015). Collection method: clinical testing. Allele origin: germline. Affected: yes.
Comment: This variant is considered likely benign or benign based on one or more of the following criteria: it is a conservative change, it occurs at a poorly conserved position in the protein, it is predicted to be benign by multiple in silico algorithms, and/or has population frequency not consistent with disease.

Dr. Peter K. Rogan Lab, Western University
No classification provided (evidence only). Condition: Familial cancer of breast. Review status: no classification provided. Collection method: in vitro. Allele origin: not applicable. Functional consequence: retained intron. Not counted in ClinVar's aggregate classification.